The following is an entry in ClinVar:

NM_182972.3(IRF2BP2):c.860C>T (p.Ala287Val)

Gene: IRF2BP2 (interferon regulatory factor 2 binding protein 2; minus strand). Cytogenetic location: 1q42.3.
Variant type: single nucleotide variant.
Coding change: c.860C>T on transcript NM_182972.3 (MANE Select); coding-DNA position 860, C replaced by T.
Protein change: p.Ala287Val; replaces alanine 287 with valine.
Molecular consequence: missense variant.
Genome position (GRCh38, 1-based): chr1:234,608,635, G>A on the plus strand (C>T on the coding strand, the complement: IRF2BP2 is on the minus strand). VCF-style: chr1-234608635-G-A. GRCh37 (hg19) VCF-style: chr1-234744381-G-A.
Other names: c.860C>T, p.Ala287Val (NM_001077397.1); short protein forms A287V.
Identifiers: ClinVar variation 3683321 (VCV003683321.2).
Genomic context (GRCh38, chr1:234,608,635, plus strand): 5'-TCGCGCACGGTCTTGGGCCTGTTGACCCAGTCCTGCTCTCCAGACCCGCGGCTCTTGCCC[G>A]CACCTTCCGCGCTCAGCTCGGCGGCCCCGGCCGCGGTGGACAGGCTGTCGGCCGGGCCCC-3'
Protein context (NP_892017.2, residues 277-297): AGAAELSAEG[Ala287Val]GKSRGSGEQD

ClinVar aggregate classification (germline): Uncertain significance (1 of 4 stars; one submission).

Submission:

Labcorp Genetics (formerly Invitae), Labcorp
Classification: Uncertain significance. Last evaluated: 2024-12-19. Review status: criteria provided, single submitter. Criteria: Invitae Variant Classification Sherloc (09022015). Collection method: clinical testing. Allele origin: germline.
Comment: This sequence change replaces alanine, which is neutral and non-polar, with valine, which is neutral and non-polar, at codon 287 of the IRF2BP2 protein (p.Ala287Val). The frequency data for this variant in the population databases is considered unreliable, as metrics indicate poor data quality at this position in the gnomAD database. This variant has not been reported in the literature in individuals affected with IRF2BP2-related conditions. An algorithm developed to predict the effect of missense changes on protein structure and function (PolyPhen-2) suggests that this variant is likely to be tolerated. In summary, the available evidence is currently insufficient to determine the role of this variant in disease. Therefore, it has been classified as a Variant of Uncertain Significance.